The following is an entry in ClinVar:

NM_003242.6(TGFBR2):c.1411G>A (p.Glu471Lys)

Gene: TGFBR2 (transforming growth factor beta receptor 2; plus strand). Cytogenetic location: 3p24.1.
Variant type: single nucleotide variant.
Coding change: c.1411G>A on transcript NM_003242.6 (MANE Select); coding-DNA position 1411, G replaced by A.
Protein change: p.Glu471Lys; replaces glutamic acid 471 with lysine.
Molecular consequence: missense variant.
Genome position (GRCh38, 1-based): chr3:30,688,398, G>A. VCF-style: chr3-30688398-G-A. GRCh37 (hg19) VCF-style: chr3-30729890-G-A.
Other names: c.1486G>A, p.Glu496Lys (NM_001024847.3); c.1594G>A, p.Glu532Lys (NM_001407126.1); c.1519G>A, p.Glu507Lys (NM_001407127.1); c.1438G>A, p.Glu480Lys (NM_001407128.1); c.1414G>A, p.Glu472Lys (NM_001407129.1); c.1408G>A, p.Glu470Lys (NM_001407130.1); c.1306G>A, p.Glu436Lys (NM_001407132.1, NM_001407133.1, NM_001407134.1 and 2 more transcripts); c.1126G>A, p.Glu376Lys (NM_001407137.1); and 2 more; short protein forms E181K, E351K, E376K, E436K, E470K, E471K, E472K, E480K.
Identifiers: ClinVar variation 4801615 (VCV004801615.1).

ClinVar aggregate classification (germline): Uncertain significance (1 of 4 stars; one submission).

Conditions:
Familial thoracic aortic aneurysm and aortic dissection (TAAD). Also called: Thoracic aortic aneurysms and dissections. Identifiers: Orphanet 91387, MedGen C4707243, MONDO:0019625.

Submission:

Labcorp Genetics (formerly Invitae), Labcorp
Classification: Uncertain significance for Familial thoracic aortic aneurysm and aortic dissection. Last evaluated: 2025-04-17. Review status: criteria provided, single submitter. Criteria: Invitae Variant Classification Sherloc (09022015). Collection method: clinical testing. Allele origin: germline.
Comment: This sequence change replaces glutamic acid, which is acidic and polar, with lysine, which is basic and polar, at codon 471 of the TGFBR2 protein (p.Glu471Lys). This variant is not present in population databases (gnomAD no frequency). This variant has not been reported in the literature in individuals affected with TGFBR2-related conditions. Invitae Evidence Modeling of protein sequence and biophysical properties (such as structural, functional, and spatial information, amino acid conservation, physicochemical variation, residue mobility, and thermodynamic stability) indicates that this missense variant is not expected to disrupt TGFBR2 protein function with a negative predictive value of 95%. In summary, the available evidence is currently insufficient to determine the role of this variant in disease. Therefore, it has been classified as a Variant of Uncertain Significance.